The following is an entry in ClinVar:

NM_004525.3(LRP2):c.6544C>T (p.Arg2182Cys)

Gene: LRP2 (LDL receptor related protein 2; minus strand). Cytogenetic location: 2q31.1.
Variant type: single nucleotide variant.
Coding change: c.6544C>T on transcript NM_004525.3 (MANE Select); coding-DNA position 6544, C replaced by T.
Protein change: p.Arg2182Cys; replaces arginine 2182 with cysteine.
Molecular consequence: missense variant.
Genome position (GRCh38, 1-based): chr2:169,207,176, G>A on the plus strand (C>T on the coding strand, the complement: LRP2 is on the minus strand). VCF-style: chr2-169207176-G-A. GRCh37 (hg19) VCF-style: chr2-170063686-G-A.
Other names: short protein forms R2182C.
Identifiers: ClinVar variation 1930176 (VCV001930176.2), dbSNP rs765135348, ClinGen allele CA1954254.

ClinVar aggregate classification (germline): Uncertain significance (1 of 4 stars; one submission).

Allele frequency attached by ClinVar (database versions not stated): ExAC 0.00001; TOPMed 0.00001.
gnomAD v4.1: 14 of 1,613,758 alleles (0.00087%); highest among the groups gnomAD compares: East Asian, 0.011%; no homozygotes.

Submission:

Labcorp Genetics (formerly Invitae), Labcorp
Classification: Uncertain significance. Last evaluated: 2022-08-16. Review status: criteria provided, single submitter. Criteria: Invitae Variant Classification Sherloc (09022015). Collection method: clinical testing. Allele origin: germline.
Comment: This sequence change replaces arginine, which is basic and polar, with cysteine, which is neutral and slightly polar, at codon 2182 of the LRP2 protein (p.Arg2182Cys). This variant is present in population databases (rs765135348, gnomAD 0.01%). This variant has not been reported in the literature in individuals affected with LRP2-related conditions. Advanced modeling of protein sequence and biophysical properties (such as structural, functional, and spatial information, amino acid conservation, physicochemical variation, residue mobility, and thermodynamic stability) performed at Invitae indicates that this missense variant is expected to disrupt LRP2 protein function. In summary, the available evidence is currently insufficient to determine the role of this variant in disease. Therefore, it has been classified as a Variant of Uncertain Significance.